The following is an entry in ClinVar:

ClinVar aggregate classification (germline): Conflicting classifications of pathogenicity. Review status: criteria provided, conflicting classifications (1 of 4 stars). 5 submissions from 5 submitters: Likely pathogenic (1); Uncertain significance (4). Last evaluated 2025-10-19.

Conditions:
Inborn genetic diseases. Identifiers: MedGen C0950123, MeSH D030342.
Nephrotic syndrome. Identifiers: MedGen C0027726, MONDO:0005377, HP:0000100.

Allele frequency attached by ClinVar (database versions not stated): ExAC 0.00003; gnomAD 0.00003 and 0.00004; gnomAD exomes 0.00003; TOPMed 0.00003; ESP Exome Variant Server 0.00008.
gnomAD v4.1: 52 of 1,608,388 alleles (0.0032%); highest among the groups gnomAD compares: East Asian, 0.0067%; no homozygotes.

Submissions (5):

Labcorp Genetics (formerly Invitae), Labcorp
Classification: Uncertain significance. Last evaluated: 2025-10-19. Review status: criteria provided, single submitter. Criteria: Invitae Variant Classification Sherloc (09022015). Collection method: clinical testing. Allele origin: germline.
Comment: This sequence change replaces arginine, which is basic and polar, with cysteine, which is neutral and slightly polar, at codon 2892 of the LAMA5 protein (p.Arg2892Cys). This variant is present in population databases (rs375523467, gnomAD 0.02%). This variant has not been reported in the literature in individuals affected with LAMA5-related conditions. ClinVar contains an entry for this variant (Variation ID: 1077031). Invitae Evidence Modeling of protein sequence and biophysical properties (such as structural, functional, and spatial information, amino acid conservation, physicochemical variation, residue mobility, and thermodynamic stability) indicates that this missense variant is expected to disrupt LAMA5 protein function with a positive predictive value of 80%. In summary, the available evidence is currently insufficient to determine the role of this variant in disease. Therefore, it has been classified as a Variant of Uncertain Significance.

GeneDx
Classification: Uncertain significance. Last evaluated: 2025-06-02. Review status: criteria provided, single submitter. Criteria: GeneDx Variant Classification Process June 2021. Collection method: clinical testing. Allele origin: germline. Affected: yes.
Comment: In silico analysis supports that this missense variant has a deleterious effect on protein structure/function; Has not been previously published as pathogenic or benign to our knowledge

Ambry Genetics
Classification: Uncertain significance for Inborn genetic diseases. Last evaluated: 2025-03-22. Review status: criteria provided, single submitter. Criteria: Ambry Variant Classification Scheme 2023. Collection method: clinical testing. Allele origin: germline.

Victorian Clinical Genetics Services, Murdoch Childrens Research Institute
Classification: Uncertain significance for Nephrotic syndrome. Last evaluated: 2020-05-25. Review status: criteria provided, single submitter. Criteria: ACMG Guidelines, 2015. Collection method: clinical testing. Allele origin: germline. Affected: yes.
Comment: A heterozygous missense variant was identified, NM_005560.4(LAMA5):c.8674C>T in exon 64 of 80 of the LAMA5 gene. This substitution is predicted to create a major amino acid change from an arginine to a cysteine at position 2892 of the protein; NP_005551.3(LAMA5):p.(Arg2892Cys). The arginine at this position has low conservation (100 vertebrates, UCSC), and is located within the Laminin G domain (NCBI, PDB). In silico software predictions of the pathogenicity of this variant are conflicting (Polyphen, SIFT, CADD, Mutation Taster). The variant is present in the gnomAD population database at a global population frequency of 0.003% (8 heterozygotes, 0 homozygotes) with an East Asian sub-population frequency of 0.02%. This variant has not previously been reported in clinical cases. Based on information available at the time of curation, this variant has been classified as a VUS. Legend: (P) - Pathogenic, (N) - Neutral, (B) - Benign

Precision Medicine Center, Zhengzhou University
Classification: Likely pathogenic for Nephrotic syndrome. Review status: criteria provided, single submitter. Criteria: ACMG Guidelines, 2015. Collection method: research. Allele origin: germline. Affected: yes.
Comment: PM1:Located in well-established functional domain PP1:Cosegregation with disease in multiple affected family members PP3:Multiple lines of computational evidence support a deleterious effect on the gene or gene product PP4:Patient's phenotype is highly specific for a disease PP5:Reputable source recently reports variant as pathogenic

NM_005560.6(LAMA5):c.8674C>T (p.Arg2892Cys)

Gene: LAMA5 (laminin subunit alpha 5; minus strand). Cytogenetic location: 20q13.33.
Variant type: single nucleotide variant.
Coding change: c.8674C>T on transcript NM_005560.6 (MANE Select); coding-DNA position 8674, C replaced by T.
Protein change: p.Arg2892Cys; replaces arginine 2892 with cysteine.
Molecular consequence: missense variant.
Genome position (GRCh38, 1-based): chr20:62,313,445, G>A on the plus strand (C>T on the coding strand, the complement: LAMA5 is on the minus strand). VCF-style: chr20-62313445-G-A. GRCh37 (hg19) VCF-style: chr20-60888501-G-A.
Other names: c.8674C>T (NM_005560.4, NM_005560.3); short protein forms R2892C.
Identifiers: ClinVar variation 1077031 (VCV001077031.5), dbSNP rs375523467, ClinGen allele CA9940586.